The following is an entry in ClinVar:

ClinVar aggregate classification (germline): Uncertain significance (1 of 4 stars; one submission).

Conditions:
Hereditary cancer-predisposing syndrome. Also called: Hereditary neoplastic syndrome; Neoplastic Syndromes, Hereditary; Tumor predisposition; Hereditary Cancer Syndrome. Identifiers: Orphanet 140162, MedGen C0027672, MeSH D009386, MONDO:0015356.

Submission:

Ambry Genetics
Classification: Uncertain significance for Hereditary cancer-predisposing syndrome. Last evaluated: 2021-03-24. Review status: criteria provided, single submitter. Criteria: Ambry Variant Classification Scheme 2023. Collection method: clinical testing. Allele origin: germline.
Comment: The p.D2625V variant (also known as c.7874A>T), located in coding exon 52 of the ATM gene, results from an A to T substitution at nucleotide position 7874. The aspartic acid at codon 2625 is replaced by valine, an amino acid with highly dissimilar properties. This amino acid position is highly conserved in available vertebrate species. In addition, this alteration is predicted to be deleterious by in silico analysis. Since supporting evidence is limited at this time, the clinical significance of this alteration remains unclear.

NM_000051.4(ATM):c.7874A>T (p.Asp2625Val)

Genes: ATM (ATM serine/threonine kinase; plus strand), C11orf65 (chromosome 11 open reading frame 65; minus strand). Cytogenetic location: 11q22.3.
Variant type: single nucleotide variant.
Coding change: c.7874A>T on transcript NM_000051.4 (MANE Select); coding-DNA position 7874, A replaced by T.
Protein change: p.Asp2625Val; replaces aspartic acid 2625 with valine.
Molecular consequence: missense variant. On other transcripts: intron variant (2).
Genome position (GRCh38, 1-based): chr11:108,332,847, A>T. VCF-style: chr11-108332847-A-T. GRCh37 (hg19) VCF-style: chr11-108203574-A-T.
Other names: c.7874A>T, p.Asp2625Val (NM_001351834.2); c.641-23776T>A (NM_001330368.2); c.*38+2373T>A (NM_001351110.2); short protein forms D2625V.
Identifiers: ClinVar variation 1760976 (VCV001760976.2), dbSNP rs876660121, ClinGen allele CA382561420.